The following is an entry in ClinVar:

ClinVar aggregate classification (germline): Benign (1 of 4 stars; one submission).

Allele frequency attached by ClinVar (database versions not stated): gnomAD 0.48602 and 0.49101; TOPMed 0.49691; 1000 Genomes Project 0.51558; 1000 Genomes Project 30x 0.51655.
gnomAD v4.1: 73,872 of 152,094 alleles (49%); highest among the groups gnomAD compares: African/African-American, 64%; 18,922 homozygotes.

Submission:

GeneDx
Classification: Benign. Last evaluated: 2018-06-14. Review status: criteria provided, single submitter. Criteria: GeneDx Variant Classification (06012015). Collection method: clinical testing. Allele origin: germline. Affected: yes.
Comment: This variant is considered likely benign or benign based on one or more of the following criteria: it is a conservative change, it occurs at a poorly conserved position in the protein, it is predicted to be benign by multiple in silico algorithms, and/or has population frequency not consistent with disease.

NM_001098511.3(KIF2A):c.654+167T>C

Gene: KIF2A (kinesin family member 2A; plus strand). Cytogenetic location: 5q12.1.
Variant type: single nucleotide variant.
Coding change: c.654+167T>C on transcript NM_001098511.3 (MANE Select); 167 bases into the intron after coding-DNA position 654, T replaced by C.
Molecular consequence: intron variant.
Genome position (GRCh38, 1-based): chr5:62,355,421, T>C. VCF-style: chr5-62355421-T-C. GRCh37 (hg19) VCF-style: chr5-61651248-T-C.
Other names: c.573+167T>C (NM_001243952.2); c.654+167T>C (NM_004520.5); c.597+167T>C (NM_001243953.2).
Identifiers: ClinVar variation 682868 (VCV000682868.1), dbSNP rs959899, ClinGen allele CA12099568.
Genomic context (GRCh38, chr5:62,355,421, plus strand): 5'-TCCTTGTGGGTGCTCATTCCCCATATTTTAAGAAGAAAATCAAGAAATTATCCACATTAA[T>C]GCTTATTTTCCATAATTTGGTATATGAGATATGCTCCCTATAGAGATGTCCTTCTCGAAG-3'